The following is an entry in ClinVar:

NM_001142800.2(EYS):c.4451G>T (p.Trp1484Leu)

Gene: EYS (EGF-like photoreceptor maintenance factor; minus strand). Cytogenetic location: 6q12.
Variant type: single nucleotide variant.
Coding change: c.4451G>T on transcript NM_001142800.2 (MANE Select); coding-DNA position 4451, G replaced by T.
Protein change: p.Trp1484Leu; replaces tryptophan 1484 with leucine.
Molecular consequence: missense variant.
Genome position (GRCh38, 1-based): chr6:64,591,416, C>A on the plus strand (G>T on the coding strand, the complement: EYS is on the minus strand). VCF-style: chr6-64591416-C-A. GRCh37 (hg19) VCF-style: chr6-65301309-C-A.
Other names: c.4451G>T, p.Trp1484Leu (NM_001292009.2); short protein forms W1484L.
Identifiers: ClinVar variation 2161052 (VCV002161052.4), dbSNP rs1239854361, ClinGen allele CA364783295.

ClinVar aggregate classification (germline): Uncertain significance (1 of 4 stars; one submission).

gnomAD v4.1: 4 of 1,551,292 alleles (0.00026%); highest among the groups gnomAD compares: Non-Finnish European, 0.00035%; no homozygotes.

Submission:

Labcorp Genetics (formerly Invitae), Labcorp
Classification: Uncertain significance. Last evaluated: 2023-12-07. Review status: criteria provided, single submitter. Criteria: Invitae Variant Classification Sherloc (09022015). Collection method: clinical testing. Allele origin: germline.
Comment: This sequence change replaces tryptophan, which is neutral and slightly polar, with leucine, which is neutral and non-polar, at codon 1484 of the EYS protein (p.Trp1484Leu). This variant is not present in population databases (gnomAD no frequency). This variant has not been reported in the literature in individuals affected with EYS-related conditions. ClinVar contains an entry for this variant (Variation ID: 2161052). Advanced modeling of protein sequence and biophysical properties (such as structural, functional, and spatial information, amino acid conservation, physicochemical variation, residue mobility, and thermodynamic stability) has been performed at Invitae for this missense variant, however the output from this modeling did not meet the statistical confidence thresholds required to predict the impact of this variant on EYS protein function. In summary, the available evidence is currently insufficient to determine the role of this variant in disease. Therefore, it has been classified as a Variant of Uncertain Significance.